The following is an entry in ClinVar:

ClinVar aggregate classification (germline): Pathogenic/Likely pathogenic. Review status: criteria provided, multiple submitters, no conflicts (2 of 4 stars). 4 submissions from 4 submitters: Pathogenic (2); Likely pathogenic (1). 1 of the submissions does not count toward it. Last evaluated 2025-09-10.

Conditions:
Monogenic hearing loss.
Autosomal recessive nonsyndromic hearing loss 3. Also called: NEUROSENSORY NONSYNDROMIC RECESSIVE DEAFNESS 3. Identifiers: Orphanet 90636, MedGen C1838263, MONDO:0010860, OMIM 600316.

Allele frequency attached by ClinVar (database versions not stated): TOPMed below 0.00001; gnomAD exomes 0.00001.

Submissions (4):

Genetics Laboratory, Great Ormond Street Hospital NHS Foundation Trust, North Thames Genomic Laboratory Hub
Classification: Pathogenic for Monogenic hearing loss. Last evaluated: 2025-09-10. Review status: criteria provided, single submitter. Criteria: ACGS Best Practice Guidelines for Variant Classification in Rare Disease 2024 v1.2. Collection method: clinical testing. Allele origin: germline. Affected: yes.
Comment: PM2_moderate, PVS1_very-strong, PM3_moderate

Labcorp Genetics (formerly Invitae), Labcorp
Classification: Pathogenic. Last evaluated: 2023-10-17. Review status: criteria provided, single submitter. Criteria: Invitae Variant Classification Sherloc (09022015). Collection method: clinical testing. Allele origin: germline.
Comment: This sequence change creates a premature translational stop signal (p.Thr2669Asnfs*43) in the MYO15A gene. It is expected to result in an absent or disrupted protein product. Loss-of-function variants in MYO15A are known to be pathogenic (PMID: 17546645). This variant is present in population databases (no rsID available, gnomAD 0.002%). This variant has not been reported in the literature in individuals affected with MYO15A-related conditions. ClinVar contains an entry for this variant (Variation ID: 504407). For these reasons, this variant has been classified as Pathogenic.

GeneDx
Classification: Likely pathogenic. Last evaluated: 2021-01-05. Review status: criteria provided, single submitter. Criteria: GeneDx Variant Classification Process June 2021. Collection method: clinical testing. Allele origin: germline. Affected: yes.
Comment: Frameshift variant predicted to result in protein truncation or nonsense mediated decay in a gene for which loss-of-function is a known mechanism of disease; Not observed at a significant frequency in large population cohorts (Lek et al., 2016); Has not been previously published as pathogenic or benign to our knowledge

Bioscientia Institut fuer Medizinische Diagnostik GmbH, Sonic Healthcare
Classification: Pathogenic for Autosomal recessive nonsyndromic hearing loss 3. Last evaluated: 2018-08-31. Review status: no assertion criteria provided. Collection method: clinical testing. Allele origin: germline. Affected: yes. Not counted in ClinVar's aggregate classification.

Literature cited by the submitters: PubMed 17546645 (cited by Labcorp Genetics (formerly Invitae), Labcorp).

NM_016239.4(MYO15A):c.8005dup (p.Thr2669fs)

Gene: MYO15A (myosin XVA; plus strand). Cytogenetic location: 17p11.2.
Variant type: Duplication.
Coding change: c.8005dup on transcript NM_016239.4 (MANE Select); coding-DNA position 8005, one base duplicated (A; older notation c.8005dupA).
Protein change: p.Thr2669fs; shifts the reading frame from threonine 2669.
Molecular consequence: frameshift variant.
Genome position (GRCh38, 1-based): chr17:18,153,813, A duplicated. VCF-style (leftmost placement, unchanged base first): chr17-18153812-C-CA. GRCh37 (hg19) VCF-style: chr17-18057126-C-CA.
Other names: c.8005dupA (NM_016239.3); short protein forms T2669fs.
Identifiers: ClinVar variation 504407 (VCV000504407.8), dbSNP rs1221876133, ClinGen allele CA625044462.
Genomic context (GRCh38, chr17:18,153,812, plus strand): 5'-TCCCTGATCCCCGCGCTCTCCAGCTCTGCCCTCGCGATCGCTGGAGCCCCCTGAGGAACT[C>CA]ACGCAGACGCGGCTGCACCGCCTCATCAATCCCAACTTCTACGGCTATCAGGACGCCCCC-3'